The following is an entry in ClinVar:

ClinVar aggregate classification (germline): Pathogenic (1 of 4 stars; one submission).

Conditions:
Familial temporal lobe epilepsy 7. Identifiers: Orphanet 101046, MedGen C4225327, MONDO:0014639, OMIM 616436.
Norman-Roberts syndrome (LIS2). Also called: Lissencephaly 2 (Norman-Roberts type). Identifiers: Orphanet 89844, MedGen C0796089, MONDO:0009760, OMIM 257320.

Submission:

Labcorp Genetics (formerly Invitae), Labcorp
Classification: Pathogenic for Familial temporal lobe epilepsy 7; Norman-Roberts syndrome. Last evaluated: 2024-02-07. Review status: criteria provided, single submitter. Criteria: Invitae Variant Classification Sherloc (09022015). Collection method: clinical testing. Allele origin: germline.
Comment: This sequence change creates a premature translational stop signal (p.Met662Valfs*4) in the RELN gene. It is expected to result in an absent or disrupted protein product. Loss-of-function variants in RELN are known to be pathogenic (PMID: 10973257, 26046367, 28454995). This variant is present in population databases (rs774006069, gnomAD 0.0009%). This variant has not been reported in the literature in individuals affected with RELN-related conditions. For these reasons, this variant has been classified as Pathogenic.

Literature cited by the submitters: PubMed 10973257; PubMed 26046367; PubMed 28454995.

NM_005045.4(RELN):c.1984_1985del (p.Met662fs)

Gene: RELN (reelin; minus strand). Cytogenetic location: 7q22.1.
Variant type: Deletion.
Coding change: c.1984_1985del on transcript NM_005045.4 (MANE Select); coding-DNA positions 1984 to 1985, 2 bases deleted (AT; older notation c.1984_1985delAT).
Protein change: p.Met662fs; shifts the reading frame from methionine 662.
Molecular consequence: frameshift variant.
Genome position (GRCh38, 1-based): chr7:103,650,291-103,650,292, AT deleted on the plus strand (AT on the coding strand, the reverse complement: RELN is on the minus strand). VCF-style (leftmost placement, unchanged base first): chr7-103650290-CAT-C. GRCh37 (hg19) VCF-style: chr7-103290737-CAT-C.
Other names: c.1984_1985del, p.Met662fs (NM_173054.3); short protein forms M662fs.
Identifiers: ClinVar variation 3749860 (VCV003749860.2).